The following is an entry in ClinVar:

ClinVar aggregate classification (germline): Uncertain significance. Review status: criteria provided, multiple submitters, no conflicts (2 of 4 stars). 2 submissions from 2 submitters: Uncertain significance (2). Last evaluated 2024-08-08.

Conditions:
Inborn genetic diseases. Identifiers: MedGen C0950123, MeSH D030342.

Allele frequency attached by ClinVar (database versions not stated): gnomAD exomes below 0.00001 and 0.00005; ExAC 0.00001; ESP Exome Variant Server 0.00008.
gnomAD v4.1: 65 of 1,613,202 alleles (0.004%); highest among the groups gnomAD compares: Non-Finnish European, 0.0055%; no homozygotes.

Submissions (2):

Ambry Genetics
Classification: Uncertain significance for Inborn genetic diseases. Last evaluated: 2024-08-08. Review status: criteria provided, single submitter. Criteria: Ambry Variant Classification Scheme 2023. Collection method: clinical testing. Allele origin: germline.

Labcorp Genetics (formerly Invitae), Labcorp
Classification: Uncertain significance. Last evaluated: 2021-11-30. Review status: criteria provided, single submitter. Criteria: Invitae Variant Classification Sherloc (09022015). Collection method: clinical testing. Allele origin: germline.
Comment: This sequence change replaces leucine, which is neutral and non-polar, with methionine, which is neutral and non-polar, at codon 112 of the ADAMTS10 protein (p.Leu112Met). This variant is present in population databases (rs368941657, gnomAD 0.0009%). This variant has not been reported in the literature in individuals affected with ADAMTS10-related conditions. Algorithms developed to predict the effect of missense changes on protein structure and function are either unavailable or do not agree on the potential impact of this missense change (SIFT: "Deleterious"; PolyPhen-2: "Possibly Damaging"; Align-GVGD: "Class C0"). In summary, the available evidence is currently insufficient to determine the role of this variant in disease. Therefore, it has been classified as a Variant of Uncertain Significance.

NM_030957.4(ADAMTS10):c.334C>A (p.Leu112Met)

Gene: ADAMTS10 (ADAM metallopeptidase with thrombospondin type 1 motif 10; minus strand). Cytogenetic location: 19p13.2.
Variant type: single nucleotide variant.
Coding change: c.334C>A on transcript NM_030957.4 (MANE Select); coding-DNA position 334, C replaced by A.
Protein change: p.Leu112Met; replaces leucine 112 with methionine.
Molecular consequence: missense variant.
Genome position (GRCh38, 1-based): chr19:8,605,113, G>T on the plus strand (C>A on the coding strand, the complement: ADAMTS10 is on the minus strand). VCF-style: chr19-8605113-G-T. GRCh37 (hg19) VCF-style: chr19-8669998-G-T.
Other names: c.334C>A (NM_030957.2); short protein forms L112M.
Identifiers: ClinVar variation 1443793 (VCV001443793.4), dbSNP rs368941657, ClinGen allele CA9160875.